The following is an entry in ClinVar:

ClinVar aggregate classification (germline): Likely benign (0 of 4 stars; one submission).

Conditions:
TG-related disorder. Also called: TG-related disorders; TG-related condition.

Allele frequency attached by ClinVar (database versions not stated): 1000 Genomes Project 30x 0.00016; 1000 Genomes Project 0.00020.
gnomAD v4.1: 1 of 1,614,088 alleles (0.000062%); highest among the groups gnomAD compares: South Asian, 0.0011%; no homozygotes.

Submission:

PreventionGenetics, part of Exact Sciences
Classification: Likely benign for TG-related condition. Last evaluated: 2023-01-04. Review status: no assertion criteria provided. Collection method: clinical testing. Allele origin: germline.
Comment: This variant is classified as likely benign based on ACMG/AMP sequence variant interpretation guidelines (Richards et al. 2015 PMID: 25741868, with internal and published modifications).

NM_003235.5(TG):c.5233+5T>A

Gene: TG (thyroglobulin; plus strand). Cytogenetic location: 8q24.22.
Variant type: single nucleotide variant.
Coding change: c.5233+5T>A on transcript NM_003235.5 (MANE Select); 5 bases into the intron after coding-DNA position 5233, T replaced by A.
Molecular consequence: intron variant.
Genome position (GRCh38, 1-based): chr8:132,941,547, T>A. VCF-style: chr8-132941547-T-A. GRCh37 (hg19) VCF-style: chr8-133953792-T-A.
Identifiers: ClinVar variation 3045448 (VCV003045448.2), dbSNP rs541592704, ClinGen allele CA4884406.